The following is an entry in ClinVar:

NM_024721.5(ZFHX4):c.5316C>G (p.Gly1772=)

Gene: ZFHX4 (zinc finger homeobox 4; plus strand). Cytogenetic location: 8q21.13.
Variant type: single nucleotide variant.
Coding change: c.5316C>G on transcript NM_024721.5 (MANE Select); coding-DNA position 5316, C replaced by G.
Protein change: p.Gly1772=; no amino-acid change (glycine 1772 retained).
Molecular consequence: synonymous variant.
Genome position (GRCh38, 1-based): chr8:76,852,237, C>G. VCF-style: chr8-76852237-C-G. GRCh37 (hg19) VCF-style: chr8-77764473-C-G.
Identifiers: ClinVar variation 720428 (VCV000720428.6), dbSNP rs146028915, ClinGen allele CA4787659.

ClinVar aggregate classification (germline): Benign/Likely benign. Review status: criteria provided, multiple submitters, no conflicts (2 of 4 stars). 3 submissions from 3 submitters: Benign (1); Likely benign (1). 1 of the submissions does not count toward it. Last evaluated 2022-12-06.

Conditions:
ZFHX4-related disorder. Also called: ZFHX4-related condition.

Allele frequency attached by ClinVar (database versions not stated): gnomAD 0.00019; ExAC 0.00037; TOPMed 0.00041; 1000 Genomes Project 30x 0.00187; 1000 Genomes Project 0.00260.
gnomAD v4.1: 157 of 1,610,306 alleles (0.0097%); highest among the groups gnomAD compares: African/African-American, 0.14%; no homozygotes.

Submissions (3):

Blueprint Genetics
Classification: Likely benign. Last evaluated: 2022-12-06. Review status: criteria provided, single submitter. Criteria: ACMG Guidelines, 2015. Collection method: clinical testing. Allele origin: germline.

Labcorp Genetics (formerly Invitae), Labcorp
Classification: Benign. Last evaluated: 2018-05-30. Review status: criteria provided, single submitter. Criteria: Invitae Variant Classification Sherloc (09022015). Collection method: clinical testing. Allele origin: germline.

PreventionGenetics, part of Exact Sciences
Classification: Likely benign for ZFHX4-related condition. Last evaluated: 2019-03-08. Review status: no assertion criteria provided. Collection method: clinical testing. Allele origin: germline. Not counted in ClinVar's aggregate classification.
Comment: This variant is classified as likely benign based on ACMG/AMP sequence variant interpretation guidelines (Richards et al. 2015 PMID: 25741868, with internal and published modifications).